The following is an entry in ClinVar:

NM_000535.7(PMS2):c.75G>A (p.Gln25=)

Gene: PMS2 (PMS1 homolog 2, mismatch repair system component; minus strand). Cytogenetic location: 7p22.1.
Variant type: single nucleotide variant.
Coding change: c.75G>A on transcript NM_000535.7 (MANE Select); coding-DNA position 75, G replaced by A.
Protein change: p.Gln25=; no amino-acid change (glutamine 25 retained).
Molecular consequence: synonymous variant. On other transcripts: 5 prime UTR variant (8), non-coding transcript variant (1), intron variant (3).
Genome position (GRCh38, 1-based): chr7:6,005,980, C>T on the plus strand (G>A on the coding strand, the complement: PMS2 is on the minus strand). VCF-style: chr7-6005980-C-T. GRCh37 (hg19) VCF-style: chr7-6045611-C-T.
Other names: c.-331G>A (NM_001322003.2, NM_001322005.2, NM_001322009.2 and 1 more transcripts); c.75G>A, p.Gln25= (NM_001322006.2, NM_001322014.2); c.-141G>A (NM_001322007.2); c.-810G>A (NM_001322011.2, NM_001322012.2); c.-410G>A (NM_001322015.2); c.-52-1922G>A (NM_001322008.2); c.-242-1922G>A (NM_001322010.2, NM_001322004.2).
Identifiers: ClinVar variation 492295 (VCV000492295.37), dbSNP rs1554306525, ClinGen allele CA453650319.

ClinVar aggregate classification (germline): Conflicting classifications of pathogenicity. Review status: criteria provided, conflicting classifications (1 of 4 stars). 7 submissions from 7 submitters: Uncertain significance (1); Benign (1); Likely benign (5). Last evaluated 2026-01-11.

Conditions:
Hereditary nonpolyposis colorectal neoplasms. Identifiers: MedGen C0009405, MeSH D003123.
Lynch syndrome 4 (LYNCH4). Also called: Hereditary non-polyposis colorectal cancer, type 4; Colorectal cancer, hereditary nonpolyposis, type 4. Identifiers: Orphanet 144, MedGen C1838333, MONDO:0013699, OMIM 614337. Disease mechanism: loss of function.
Lynch syndrome. Identifiers: Orphanet 144, MedGen C4552100, MONDO:0005835. Disease mechanism: loss of function.
Hereditary cancer-predisposing syndrome. Also called: Hereditary neoplastic syndrome; Neoplastic Syndromes, Hereditary; Hereditary Cancer Syndrome; Tumor predisposition. Identifiers: Orphanet 140162, MedGen C0027672, MeSH D009386, MONDO:0015356.

Allele frequency attached by ClinVar (database versions not stated): TOPMed 0.00001.

Submissions (7):

Labcorp Genetics (formerly Invitae), Labcorp
Classification: Likely benign for Hereditary nonpolyposis colorectal neoplasms. Last evaluated: 2026-01-11. Review status: criteria provided, single submitter. Criteria: Invitae Variant Classification Sherloc (09022015). Collection method: clinical testing. Allele origin: germline.

Ambry Genetics
Classification: Uncertain significance for Hereditary cancer-predisposing syndrome. Last evaluated: 2025-11-06. Review status: criteria provided, single submitter. Criteria: Ambry Variant Classification Scheme 2023. Collection method: clinical testing. Allele origin: germline.
Comment: The c.75G>A variant (also known as p.Q25Q), located in coding exon 2 of the PMS2 gene, results from a G to A substitution at nucleotide position 75. This nucleotide substitution does not change the glutamine at codon 25. This nucleotide position is not well conserved in available vertebrate species. In silico splice site analysis for this alteration is inconclusive; however, direct evidence is insufficient at this time (Ambry internal data). Based on the available evidence, the clinical significance of this variant remains unclear.

Myriad Genetics, Inc.
Classification: Benign for Lynch syndrome 4. Last evaluated: 2025-01-23. Review status: criteria provided, single submitter. Criteria: Myriad Autosomal Dominant, Autosomal Recessive and X-Linked Classification Criteria (2023). Collection method: clinical testing. Allele origin: unknown.
Comment: This variant is considered benign. This variant is a silent/synonymous amino acid change and it is not expected to impact splicing.

CeGaT Center for Human Genetics Tuebingen
Classification: Likely benign. Last evaluated: 2024-03-01. Review status: criteria provided, single submitter. Criteria: CeGaT Center For Human Genetics Tuebingen Variant Classification Criteria Version 2. Collection method: clinical testing. Allele origin: germline. Affected: yes. Observed: 1 variant allele.
Comment: PMS2: PM2:Supporting, BP4, BP7

All of Us Research Program, National Institutes of Health
Classification: Likely benign for Lynch syndrome. Last evaluated: 2023-12-13. Review status: criteria provided, single submitter. Criteria: ACMG Guidelines, 2015. Collection method: clinical testing. Allele origin: germline. Inheritance: Autosomal dominant inheritance. Observed: 1 variant allele, 1 heterozygote.
Comment: This study involves interpretation of variants in research participants for the purpose of population health screening. Participant phenotype was not available at the time of variant classification. Additional details can be found in publication PMID: 35346344, PMCID: PMC8962531

Women's Health and Genetics/Laboratory Corporation of America, LabCorp
Classification: Likely benign. Last evaluated: 2023-02-10. Review status: criteria provided, single submitter. Criteria: LabCorp Variant Classification Summary - May 2015. Collection method: clinical testing. Allele origin: germline.

Color Diagnostics, LLC DBA Color Health
Classification: Likely benign for Hereditary cancer-predisposing syndrome. Last evaluated: 2017-06-08. Review status: criteria provided, single submitter. Criteria: ACMG Guidelines, 2015. Collection method: clinical testing. Allele origin: germline.